The following is an entry in ClinVar:

NM_001267550.2(TTN):c.14639C>T (p.Ala4880Val)

Gene: TTN (titin; minus strand). Cytogenetic location: 2q31.2.
Variant type: single nucleotide variant.
Coding change: c.14639C>T on transcript NM_001267550.2 (MANE Select); coding-DNA position 14639, C replaced by T.
Protein change: p.Ala4880Val; replaces alanine 4880 with valine.
Molecular consequence: missense variant. On other transcripts: intron variant (3).
Genome position (GRCh38, 1-based): chr2:178,735,807, G>A on the plus strand (C>T on the coding strand, the complement: TTN is on the minus strand). VCF-style: chr2-178735807-G-A. GRCh37 (hg19) VCF-style: chr2-179600534-G-A.
Other names: c.13688C>T, p.Ala4563Val (NM_001256850.1); c.10907C>T, p.Ala3636Val (NM_133378.4); c.13282+2275C>T (NM_003319.4); c.13858+2275C>T (NM_133437.4); c.13657+2275C>T (NM_133432.3); short protein forms A3636V, A4880V, A4563V.
Identifiers: ClinVar variation 263756 (VCV000263756.10), dbSNP rs373683445, ClinGen allele CA2002369.
Genomic context (GRCh38, chr2:178,735,807, plus strand): 5'-GCGGACTGCACAGGCTCTAATTCTTTAATGAAATGTGGCTTATCAATGATGATCAACTCT[G>A]CTTGGCAGATGTCTGCTCCAAACTTGTTGGAAGCCTTACAAGAATAAACTCCTCTATCTT-3'
Protein context (NP_001254479.2, residues 4870-4890): SNKFGADICQ[Ala4880Val]ELIIIDKPHF

ClinVar aggregate classification (germline): Conflicting classifications of pathogenicity. Review status: criteria provided, conflicting classifications (1 of 4 stars). 5 submissions from 5 submitters: Uncertain significance (4); Likely benign (1). Last evaluated 2026-05-26.

Conditions:
TTN-related disorder. Also called: TTN-related condition; TTN-related disease; TTN-related disorders.
Cardiovascular phenotype. Identifiers: MedGen CN230736.

Allele frequency attached by ClinVar (database versions not stated): gnomAD exomes 0.00001 and 0.00003; ExAC 0.00005; gnomAD 0.00013 and 0.00014; 1000 Genomes Project 30x 0.00016; ESP Exome Variant Server 0.00017; TOPMed 0.00017; 1000 Genomes Project 0.00020.
gnomAD v4.1: 41 of 1,613,722 alleles (0.0025%); highest among the groups gnomAD compares: African/African-American, 0.048%; no homozygotes.

Submissions (5):

PreventionGenetics, part of Exact Sciences
Classification: Uncertain significance for TTN-related condition. Last evaluated: 2026-05-26. Review status: criteria provided, single submitter. Criteria: ACMG Guidelines, 2015. Collection method: clinical testing. Allele origin: germline.
Comment: The TTN c.14639C>T variant is predicted to result in the amino acid substitution p.Ala4880Val. To our knowledge, this variant has not been reported in the literature. This variant is reported in 0.050% of alleles in individuals of African descent in gnomAD. At this time, the clinical significance of this variant is uncertain due to the absence of conclusive functional and genetic evidence.

Women's Health and Genetics/Laboratory Corporation of America, LabCorp
Classification: Uncertain significance. Last evaluated: 2025-07-09. Review status: criteria provided, single submitter. Criteria: LabCorp Variant Classification Summary - May 2015. Collection method: clinical testing. Allele origin: germline.

Revvity Omics, Revvity
Classification: Uncertain significance. Last evaluated: 2025-04-21. Review status: criteria provided, single submitter. Criteria: ACMG Guidelines, 2015. Collection method: clinical testing. Allele origin: germline.

GeneDx
Classification: Likely benign. Last evaluated: 2021-01-08. Review status: criteria provided, single submitter. Criteria: GeneDx Variant Classification Process June 2021. Collection method: clinical testing. Allele origin: germline. Affected: yes.

Ambry Genetics
Classification: Uncertain significance for Cardiovascular phenotype. Last evaluated: 2013-11-19. Review status: criteria provided, single submitter. Criteria: Ambry Autosomal Dominant and X-Linked criteria (10/2015). Collection method: clinical testing. Allele origin: germline. Observed: 1 variant allele.
Comment: The p.A3636V variant (also known as c.10907C>T) is located in coding exon 46 of the TTNgene. This alteration results from a C to T substitution at nucleotide position 10907. The alanine at codon 3636 is replaced by valine, an amino acid with some similar properties. Based on data from the NHLBI Exome Sequencing Project (ESP), the T-allele has an overall frequency of approximately:0.02% (2/11960), having been observed in0.05% (2/3742)of African American alleles, and not observed in 8218 of European American alleles studied.This variant was not reported in population-based cohorts in the Database of Single Nucleotide Polymorphisms (dbSNP) or the 1000 Genomes Project. Based on protein sequence alignment, this amino acid position is conserved through mammalians, but is not conserved in lower species.In addition, this alteration is predicted to be possibly damaging by PolyPhen in silicoanalysis. Since supporting evidence is limited at this time, the clinical significance of this variant remains unclear.